The following is an entry in ClinVar:

NM_004297.4(GNA14):c.97C>T (p.Arg33Cys)

Gene: GNA14 (G protein subunit alpha 14; minus strand). Cytogenetic location: 9q21.2.
Variant type: single nucleotide variant.
Coding change: c.97C>T on transcript NM_004297.4 (MANE Select); coding-DNA position 97, C replaced by T.
Protein change: p.Arg33Cys; replaces arginine 33 with cysteine.
Molecular consequence: missense variant.
Genome position (GRCh38, 1-based): chr9:77,647,697, G>A on the plus strand (C>T on the coding strand, the complement: GNA14 is on the minus strand). VCF-style: chr9-77647697-G-A. GRCh37 (hg19) VCF-style: chr9-80262613-G-A.
Other names: short protein forms R33C.
Identifiers: ClinVar variation 718482 (VCV000718482.28), dbSNP rs138686336, ClinGen allele CA5094457.
Genomic context (GRCh38, chr9:77,647,697, plus strand): 5'-CGGCTCACTGGAGTCGGAGACGCAGCCACTCACCCAGCAGCAGCAGCTTAAGCTCACGGC[G>A]CGCGTCCTTCTTGTCCCGACGAAGCTGTCGCTCGATCTCCGCGCTGATGCGCTGCGACTC-3'
Protein context (NP_004288.1, residues 23-43): RQLRRDKKDA[Arg33Cys]RELKLLLLGT

ClinVar aggregate classification (germline): Benign. Review status: criteria provided, multiple submitters, no conflicts (2 of 4 stars). 3 submissions from 3 submitters: Benign (3). Last evaluated 2023-07-01.

Allele frequency attached by ClinVar (database versions not stated): ESP Exome Variant Server 0.00192; gnomAD 0.00218 and 0.00271; TOPMed 0.00272; 1000 Genomes Project 30x 0.00375; 1000 Genomes Project 0.00379; gnomAD exomes 0.00545; ExAC 0.00660.
gnomAD v4.1: 5,200 of 1,610,094 alleles (0.32%); highest among the groups gnomAD compares: Middle Eastern, 3.7%; 55 homozygotes.

Submissions (3):

CeGaT Center for Human Genetics Tuebingen
Classification: Benign. Last evaluated: 2023-07-01. Review status: criteria provided, single submitter. Criteria: CeGaT Center For Human Genetics Tuebingen Variant Classification Criteria Version 2. Collection method: clinical testing. Allele origin: germline. Affected: yes. Observed: 1 variant allele.
Comment: GNA14: BS1, BS2

Labcorp Genetics (formerly Invitae), Labcorp
Classification: Benign. Last evaluated: 2018-11-09. Review status: criteria provided, single submitter. Criteria: Invitae Variant Classification Sherloc (09022015). Collection method: clinical testing. Allele origin: germline.

Breakthrough Genomics
Classification: Benign. Review status: criteria provided, single submitter. Criteria: ACMG Guidelines, 2015. Collection method: not provided. Allele origin: germline. Inheritance: Unknown mechanism. Affected: yes.